The following is an entry in ClinVar:

NM_002532.6(NUP88):c.1490C>T (p.Thr497Ile)

Gene: NUP88 (nucleoporin 88; minus strand). Cytogenetic location: 17p13.2.
Variant type: single nucleotide variant.
Coding change: c.1490C>T on transcript NM_002532.6 (MANE Select); coding-DNA position 1490, C replaced by T.
Protein change: p.Thr497Ile; replaces threonine 497 with isoleucine.
Molecular consequence: missense variant.
Genome position (GRCh38, 1-based): chr17:5,388,955, G>A on the plus strand (C>T on the coding strand, the complement: NUP88 is on the minus strand). VCF-style: chr17-5388955-G-A. GRCh37 (hg19) VCF-style: chr17-5292275-G-A.
Other names: c.1490C>T, p.Thr497Ile (NM_001320653.2); short protein forms T497I.
Identifiers: ClinVar variation 3055069 (VCV003055069.2), dbSNP rs1806230, ClinGen allele CA8324233.

ClinVar aggregate classification (germline): Likely benign (0 of 4 stars; one submission).

Conditions:
NUP88-related disorder. Also called: NUP88-related condition.

Allele frequency attached by ClinVar (database versions not stated): 1000 Genomes Project 30x 0.00016; 1000 Genomes Project 0.00020; gnomAD exomes 0.00028; ExAC 0.00036; gnomAD 0.00042; ESP Exome Variant Server 0.00046; TOPMed 0.00056.

Submission:

PreventionGenetics, part of Exact Sciences
Classification: Likely benign for NUP88-related condition. Last evaluated: 2022-02-21. Review status: no assertion criteria provided. Collection method: clinical testing. Allele origin: germline.
Comment: This variant is classified as likely benign based on ACMG/AMP sequence variant interpretation guidelines (Richards et al. 2015 PMID: 25741868, with internal and published modifications).